The following is an entry in ClinVar:

NM_001375524.1(TRRAP):c.5522A>G (p.Gln1841Arg)

Gene: TRRAP (transformation/transcription domain associated protein; plus strand). Cytogenetic location: 7q22.1.
Variant type: single nucleotide variant.
Coding change: c.5522A>G on transcript NM_001375524.1 (MANE Select); coding-DNA position 5522, A replaced by G.
Protein change: p.Gln1841Arg; replaces glutamine 1841 with arginine.
Molecular consequence: missense variant.
Genome position (GRCh38, 1-based): chr7:98,953,225, A>G. VCF-style: chr7-98953225-A-G. GRCh37 (hg19) VCF-style: chr7-98550848-A-G.
Other names: c.5501A>G, p.Gln1834Arg (NM_001244580.2); c.5447A>G, p.Gln1816Arg (NM_003496.4); short protein forms Q1816R, Q1834R, Q1841R.
Identifiers: ClinVar variation 5002805 (VCV005002805.1).

ClinVar aggregate classification (germline): Uncertain significance (1 of 4 stars; one submission).

Conditions:
Developmental delay with or without dysmorphic facies and autism. Identifiers: MedGen C5193106, MONDO:0032760, OMIM 618454.

Submission:

OLLIN Analises Genomicas, OLLIN
Classification: Uncertain significance for Developmental delay with or without dysmorphic facies and autism. Last evaluated: 2026-08-06. Review status: criteria provided, single submitter. Criteria: ACMG Guidelines 2015 PMID 25741868. Collection method: clinical testing. Allele origin: germline. Inheritance: Autosomal dominant inheritance.
Comment: This missense variant, located in exon 40 (of 73), is absent from gnomAD and ClinVar and has not been identified in the literature. In silico analysis predicts that this variant has a deleterious effect. This gene is constrained for missense variation. According to the currently available evidence, this variant has been classified as uncertain significance (PM2_P, PP3, PP2).